The following is an entry in ClinVar:

ClinVar aggregate classification (germline): Uncertain significance (1 of 4 stars; one submission).

Conditions:
Familial thoracic aortic aneurysm and aortic dissection (TAAD). Also called: Thoracic aortic aneurysms and dissections. Identifiers: Orphanet 91387, MedGen C4707243, MONDO:0019625.

Submission:

Labcorp Genetics (formerly Invitae), Labcorp
Classification: Uncertain significance for Familial thoracic aortic aneurysm and aortic dissection. Last evaluated: 2023-05-09. Review status: criteria provided, single submitter. Criteria: Invitae Variant Classification Sherloc (09022015). Collection method: clinical testing. Allele origin: germline.
Comment: This variant is not present in population databases (gnomAD no frequency). In summary, the available evidence is currently insufficient to determine the role of this variant in disease. Therefore, it has been classified as a Variant of Uncertain Significance. Advanced modeling of protein sequence and biophysical properties (such as structural, functional, and spatial information, amino acid conservation, physicochemical variation, residue mobility, and thermodynamic stability) performed at Invitae indicates that this missense variant is expected to disrupt SMAD3 protein function. This variant has not been reported in the literature in individuals affected with SMAD3-related conditions. This sequence change replaces valine, which is neutral and non-polar, with alanine, which is neutral and non-polar, at codon 363 of the SMAD3 protein (p.Val363Ala).

NM_005902.4(SMAD3):c.1088T>C (p.Val363Ala)

Gene: SMAD3 (SMAD family member 3; plus strand). Cytogenetic location: 15q22.33.
Variant type: single nucleotide variant.
Coding change: c.1088T>C on transcript NM_005902.4 (MANE Select); coding-DNA position 1088, T replaced by C.
Protein change: p.Val363Ala; replaces valine 363 with alanine.
Molecular consequence: missense variant.
Genome position (GRCh38, 1-based): chr15:67,187,443, T>C. VCF-style: chr15-67187443-T-C. GRCh37 (hg19) VCF-style: chr15-67479781-T-C.
Other names: c.773T>C, p.Val258Ala (NM_001145102.2, NM_001407016.1); c.956T>C, p.Val319Ala (NM_001145103.2, NM_001407012.1); c.503T>C, p.Val168Ala (NM_001145104.2, NM_001407017.1); c.1199T>C, p.Val400Ala (NM_001407011.1); c.950T>C, p.Val317Ala (NM_001407013.1); c.941T>C, p.Val314Ala (NM_001407014.1); c.641T>C, p.Val214Ala (NM_001407015.1); short protein forms V214A, V258A, V363A, V168A, V319A, V314A, V317A, V400A.
Identifiers: ClinVar variation 2819643 (VCV002819643.3), dbSNP rs1595962693, ClinGen allele CA392958222.